The following is an entry in ClinVar:

ClinVar aggregate classification (germline): Likely pathogenic (1 of 4 stars; one submission).

Submission:

Dasa
Classification: Likely pathogenic. Last evaluated: 2026-04-27. Review status: criteria provided, single submitter. Criteria: DASA Assertion Criteria. Collection method: clinical testing. Allele origin: germline.
Comment: NM_182641.4(BPTF):c.2989C>T (p.Gln997*) is a nonsense variant in BPTF predicted to introduce a premature termination codon and is predicted to result in an absent or altered protein product. Loss of function is an established disease mechanism for BPTF (PMID: 28942966; PMID: 33522091). Also, this variant is rare in population databases. Based on the currently available evidence, this variant is classified as likely pathogenic.

Literature cited by the submitters: PubMed 28942966; PubMed 33522091.

NM_182641.4(BPTF):c.2989C>T (p.Gln997Ter)

Gene: BPTF (bromodomain PHD finger transcription factor; plus strand). Cytogenetic location: 17q24.2.
Variant type: single nucleotide variant.
Coding change: c.2989C>T on transcript NM_182641.4 (MANE Select); coding-DNA position 2989, C replaced by T.
Protein change: p.Gln997Ter; replaces glutamine 997 with a stop codon.
Molecular consequence: nonsense.
Genome position (GRCh38, 1-based): chr17:67,909,758, C>T. VCF-style: chr17-67909758-C-T. GRCh37 (hg19) VCF-style: chr17-65905874-C-T.
Other names: c.3178C>T, p.Gln1060Ter (NM_001439139.1, NM_001439141.1, NM_001439143.1 and 1 more transcripts); c.3367C>T, p.Gln1123Ter (NM_001439140.1, NM_001439142.1, NM_004459.7); short protein forms Q1060*, Q1123*, Q997*.
Identifiers: ClinVar variation 4884184 (VCV004884184.2).